The following is an entry in ClinVar:

NM_000202.8(IDS):c.393_394dup (p.Ser132fs)

Gene: IDS (iduronate 2-sulfatase; minus strand). Cytogenetic location: Xq28.
Variant type: Duplication.
Coding change: c.393_394dup on transcript NM_000202.8 (MANE Select); coding-DNA positions 393 to 394, 2 bases duplicated (GT; older notation c.393_394dupGT).
Protein change: p.Ser132fs; shifts the reading frame from serine 132.
Molecular consequence: frameshift variant. On other transcripts: non-coding transcript variant (1).
Genome position (GRCh38, 1-based): chrX:149,503,336-149,503,337, AC duplicated on the plus strand (GT on the coding strand, the reverse complement: IDS is on the minus strand); duplicating any 2 consecutive bases within chrX:149,503,336-149,503,338 gives the same sequence; the c. name uses the placement nearest the transcript's 3' end. VCF-style (leftmost placement, unchanged base first): chrX-149503335-G-GAC. GRCh37 (hg19) VCF-style: chrX-148584865-G-GAC.
Other names: c.123_124dup, p.Ser42fs (NM_001166550.4); c.393_394dup, p.Ser132fs (NM_006123.5); short protein forms S132fs, S42fs.
Identifiers: ClinVar variation 3255694 (VCV003255694.2).
Genomic context (GRCh38, chrX:149,503,335, plus strand): 5'-AACCAAGAGAACCCAGACTCTGGACATGGAGCAGTACCAGGGTGAAAGACTTTTCCCACC[G>GAC]ACATGGTCACATAGCCATTCTCCTTGAAGTACTGGGGGATGGTGGAGAAGTTTCCAGCGT-3'

ClinVar aggregate classification (germline): Pathogenic (1 of 4 stars; one submission).

Conditions:
Mucopolysaccharidosis, MPS-II (MPS2). Also called: Hunter Syndrome; IDURONATE 2-SULFATASE DEFICIENCY; Mucopolysaccharidosis Type II; Mucopolysaccharidosis type 2; Attenuated MPS (subtype; formerly known as mild MPS II); Severe MPS II. Identifiers: Orphanet 580, Orphanet 79388, MedGen C0026705, MONDO:0010674, OMIM 309900.

Submission:

Laboratory of Diagnosis and Therapy of Lysosomal Disorders, University of Padova
Classification: Pathogenic for Mucopolysaccharidosis, MPS-II. Last evaluated: 2024-06-07. Review status: criteria provided, single submitter. Criteria: ACMG Guidelines, 2015. Collection method: literature only. Allele origin: germline. Affected: yes. Observed: 1 variant allele.
Comment: Null variant (PVS1_VeryStrong), Absent from controls (or at low frequency) in gnomAD database (PM2_Moderate), Patient’s phenotype or family history highly specific for the disease (PP4_Strong)

Classification method: ACMG Guidelines [PMID:25741868] with modifications

Literature cited by the submitters: PubMed 36713083.